The following is an entry in ClinVar:

ClinVar aggregate classification (germline): Uncertain significance (1 of 4 stars; one submission).

Allele frequency attached by ClinVar (database versions not stated): gnomAD exomes below 0.00001 and 0.00001; ExAC 0.00002.
gnomAD v4.1: 2 of 1,614,178 alleles (0.00012%); highest among the groups gnomAD compares: Non-Finnish European, 0.00017%; no homozygotes.

Submission:

Labcorp Genetics (formerly Invitae), Labcorp
Classification: Uncertain significance. Last evaluated: 2022-08-09. Review status: criteria provided, single submitter. Criteria: Invitae Variant Classification Sherloc (09022015). Collection method: clinical testing. Allele origin: germline.
Comment: In summary, the available evidence is currently insufficient to determine the role of this variant in disease. Therefore, it has been classified as a Variant of Uncertain Significance. Algorithms developed to predict the effect of missense changes on protein structure and function (SIFT, PolyPhen-2, Align-GVGD) all suggest that this variant is likely to be tolerated. ClinVar contains an entry for this variant (Variation ID: 1061833). This variant has not been reported in the literature in individuals affected with A2ML1-related conditions. This variant is present in population databases (rs778176693, gnomAD 0.003%). This sequence change replaces leucine, which is neutral and non-polar, with phenylalanine, which is neutral and non-polar, at codon 1071 of the A2ML1 protein (p.Leu1071Phe).

NM_144670.6(A2ML1):c.3211C>T (p.Leu1071Phe)

Gene: A2ML1 (alpha-2-macroglobulin like 1; plus strand). Cytogenetic location: 12p13.31.
Variant type: single nucleotide variant.
Coding change: c.3211C>T on transcript NM_144670.6 (MANE Select); coding-DNA position 3211, C replaced by T.
Protein change: p.Leu1071Phe; replaces leucine 1071 with phenylalanine.
Molecular consequence: missense variant.
Genome position (GRCh38, 1-based): chr12:8,858,049, C>T. VCF-style: chr12-8858049-C-T. GRCh37 (hg19) VCF-style: chr12-9010645-C-T.
Other names: c.1738C>T, p.Leu580Phe (NM_001282424.3); short protein forms L1071F, L580F.
Identifiers: ClinVar variation 1061833 (VCV001061833.9), dbSNP rs778176693, ClinGen allele CA6436288.